The following is an entry in ClinVar:

NM_001005273.3(CHD3):c.3377G>C (p.Gly1126Ala)

Gene: CHD3 (chromodomain helicase DNA binding protein 3; plus strand). Cytogenetic location: 17p13.1.
Variant type: single nucleotide variant.
Coding change: c.3377G>C on transcript NM_001005273.3 (MANE Select); coding-DNA position 3377, G replaced by C.
Protein change: p.Gly1126Ala; replaces glycine 1126 with alanine.
Molecular consequence: missense variant.
Genome position (GRCh38, 1-based): chr17:7,902,943, G>C. VCF-style: chr17-7902943-G-C. GRCh37 (hg19) VCF-style: chr17-7806261-G-C.
Other names: c.3554G>C, p.Gly1185Ala (NM_001005271.3); c.3377G>C, p.Gly1126Ala (NM_005852.4); short protein forms G1126A, G1185A.
Identifiers: ClinVar variation 1184424 (VCV001184424.7), dbSNP rs1274009768, ClinGen allele CA397941749.

ClinVar aggregate classification (germline): Uncertain significance. Review status: criteria provided, multiple submitters, no conflicts (2 of 4 stars). 2 submissions from 2 submitters: Uncertain significance (2). Last evaluated 2025-10-01.

Conditions:
Snijders Blok-Campeau syndrome. Also called: INTELLECTUAL DEVELOPMENTAL DISORDER WITH MACROCEPHALY, SPEECH DELAY, AND DYSMORPHIC FACIES. Identifiers: Orphanet 599082, MedGen C4748701, MONDO:0032600, OMIM 618205.

Allele frequency attached by ClinVar (database versions not stated): gnomAD exomes below 0.00001; TOPMed 0.00001.

Submissions (2):

CeGaT Center for Human Genetics Tuebingen
Classification: Uncertain significance. Last evaluated: 2025-10-01. Review status: criteria provided, single submitter. Criteria: CeGaT Center For Human Genetics Tuebingen Variant Classification Criteria Version 2. Collection method: clinical testing. Allele origin: germline. Affected: yes. Observed: 1 variant allele.
Comment: CHD3: PP2

New York Genome Center
Classification: Uncertain significance for Snijders Blok-Campeau syndrome. Last evaluated: 2020-06-18. Review status: criteria provided, single submitter. Criteria: NYGC Assertion Criteria 2020. Collection method: clinical testing. Allele origin: inherited. Observed: 1 heterozygote. Study: CSER-NYCKidSeq.